The following is an entry in ClinVar:

NM_001371904.1(APOA5):c.815C>G (p.Pro272Arg)

Gene: APOA5 (apolipoprotein A5; minus strand). Cytogenetic location: 11q23.3.
Variant type: single nucleotide variant.
Coding change: c.815C>G on transcript NM_001371904.1 (MANE Select); coding-DNA position 815, C replaced by G.
Protein change: p.Pro272Arg; replaces proline 272 with arginine.
Molecular consequence: missense variant.
Genome position (GRCh38, 1-based): chr11:116,790,414, G>C on the plus strand (C>G on the coding strand, the complement: APOA5 is on the minus strand). VCF-style: chr11-116790414-G-C. GRCh37 (hg19) VCF-style: chr11-116661130-G-C.
Other names: c.815C>G, p.Pro272Arg (NM_001166598.2, NM_052968.5); short protein forms P272R.
Identifiers: ClinVar variation 3687859 (VCV003687859.2).

ClinVar aggregate classification (germline): Uncertain significance (1 of 4 stars; one submission).

Submission:

Labcorp Genetics (formerly Invitae), Labcorp
Classification: Uncertain significance. Last evaluated: 2024-07-16. Review status: criteria provided, single submitter. Criteria: Invitae Variant Classification Sherloc (09022015). Collection method: clinical testing. Allele origin: germline.
Comment: This sequence change replaces proline, which is neutral and non-polar, with arginine, which is basic and polar, at codon 272 of the APOA5 protein (p.Pro272Arg). This variant is not present in population databases (gnomAD no frequency). This variant has not been reported in the literature in individuals affected with APOA5-related conditions. An algorithm developed to predict the effect of missense changes on protein structure and function outputs the following: PolyPhen-2: "Benign". The arginine amino acid residue is found in multiple mammalian species, which suggests that this missense change does not adversely affect protein function. In summary, the available evidence is currently insufficient to determine the role of this variant in disease. Therefore, it has been classified as a Variant of Uncertain Significance.